The following is an entry in ClinVar:

NM_002739.5(PRKCG):c.649G>T (p.Ala217Ser)

Gene: PRKCG (protein kinase C gamma; plus strand). Cytogenetic location: 19q13.42.
Variant type: single nucleotide variant.
Coding change: c.649G>T on transcript NM_002739.5 (MANE Select); coding-DNA position 649, G replaced by T.
Protein change: p.Ala217Ser; replaces alanine 217 with serine.
Molecular consequence: missense variant.
Genome position (GRCh38, 1-based): chr19:53,891,793, G>T. VCF-style: chr19-53891793-G-T. GRCh37 (hg19) VCF-style: chr19-54395047-G-T.
Other names: c.649G>T, p.Ala217Ser (NM_001316329.2); short protein forms A217S.
Identifiers: ClinVar variation 3895612 (VCV003895612.1).

ClinVar aggregate classification (germline): Uncertain significance (1 of 4 stars; one submission).

Submission:

Women's Health and Genetics/Laboratory Corporation of America, LabCorp
Classification: Uncertain significance. Last evaluated: 2025-03-17. Review status: criteria provided, single submitter. Criteria: LabCorp Variant Classification Summary - May 2015. Collection method: clinical testing. Allele origin: germline.
Comment: Variant summary: PRKCG c.649G>T (p.Ala217Ser) results in a conservative amino acid change in the encoded protein sequence. Four of five in-silico tools predict a benign effect of the variant on protein function. The variant was absent in 251486 control chromosomes. The available data on variant occurrences in the general population are insufficient to allow any conclusion about variant significance. To our knowledge, no occurrence of c.649G>T in individuals affected with Spinocerebellar Ataxia 14 and no experimental evidence demonstrating its impact on protein function have been reported. No submitters have cited clinical-significance assessments for this variant to ClinVar. Based on the evidence outlined above, the variant was classified as uncertain significance.